The following is an entry in ClinVar:

NM_002878.4(RAD51D):c.814C>A (p.Pro272Thr)

Genes: RAD51D (RAD51 paralog D; minus strand), RAD51L3-RFFL (RAD51L3-RFFL readthrough; minus strand). Cytogenetic location: 17q12.
Variant type: single nucleotide variant.
Coding change: c.814C>A on transcript NM_002878.4 (MANE Select); coding-DNA position 814, C replaced by A.
Protein change: p.Pro272Thr; replaces proline 272 with threonine.
Molecular consequence: missense variant. On other transcripts: non-coding transcript variant (3).
Genome position (GRCh38, 1-based): chr17:35,101,290, G>T on the plus strand (C>A on the coding strand, the complement: RAD51D is on the minus strand). VCF-style: chr17-35101290-G-T. GRCh37 (hg19) VCF-style: chr17-33428309-G-T.
Other names: c.874C>A, p.Pro292Thr (NM_001142571.2); c.478C>A, p.Pro160Thr (NM_133629.3); short protein forms P272T, P292T, P160T.
Identifiers: ClinVar variation 5027811 (VCV005027811.1).

ClinVar aggregate classification (germline): Uncertain significance (1 of 4 stars; one submission).

Conditions:
Hereditary cancer-predisposing syndrome. Also called: Neoplastic Syndromes, Hereditary; Tumor predisposition; Hereditary neoplastic syndrome; Hereditary Cancer Syndrome. Identifiers: Orphanet 140162, MedGen C0027672, MeSH D009386, MONDO:0015356.

Submission:

Ambry Genetics
Classification: Uncertain significance for Hereditary cancer-predisposing syndrome. Last evaluated: 2026-07-06. Review status: criteria provided, single submitter. Criteria: Ambry Variant Classification Scheme 2023. Collection method: clinical testing. Allele origin: germline.
Comment: The p.P272T variant (also known as c.814C>A), located in coding exon 9 of the RAD51D gene, results from a C to A substitution at nucleotide position 814. The proline at codon 272 is replaced by threonine, an amino acid with highly similar properties. This amino acid position is conserved. In addition, the in silico prediction for this alteration is inconclusive. Based on the available evidence, the clinical significance of this variant remains unclear.